The following is an entry in ClinVar:

NM_001082486.1(ACD):c.154C>T (p.Leu52Phe)

Gene: ACD (ACD shelterin complex subunit and telomerase recruitment factor; minus strand). Cytogenetic location: 16q22.1.
Variant type: single nucleotide variant.
Coding change: c.154C>T on transcript NM_001082486.1; coding-DNA position 154, C replaced by T.
Protein change: p.Leu52Phe; replaces leucine 52 with phenylalanine.
Genome position (GRCh38, 1-based): chr16:67,660,325, G>A on the plus strand (C>T on the coding strand, the complement: ACD is on the minus strand). VCF-style: chr16-67660325-G-A. GRCh37 (hg19) VCF-style: chr16-67694228-G-A.
Other names: short protein forms L52F.
Identifiers: ClinVar variation 1775020 (VCV001775020.3), dbSNP rs1438728678, ClinGen allele CA396359575.

ClinVar aggregate classification (germline): Uncertain significance (1 of 4 stars; one submission).

Conditions:
Inborn genetic diseases. Identifiers: MedGen C0950123, MeSH D030342.

Allele frequency attached by ClinVar (database versions not stated): gnomAD exomes 0.00001.

Submission:

Ambry Genetics
Classification: Uncertain significance for Inborn genetic diseases. Last evaluated: 2024-09-15. Review status: criteria provided, single submitter. Criteria: Ambry Variant Classification Scheme 2023. Collection method: clinical testing. Allele origin: germline.
Comment: The p.L52F variant (also known as c.154C>T), located in coding exon 1 of the ACD gene, results from a C to T substitution at nucleotide position 154. The leucine at codon 52 is replaced by phenylalanine, an amino acid with highly similar properties. This amino acid position is conserved. In addition, this alteration is predicted to be tolerated by in silico analysis. Since supporting evidence is limited at this time, the clinical significance of this alteration remains unclear.